The following is an entry in ClinVar:

ClinVar aggregate classification (germline): Pathogenic. Review status: criteria provided, multiple submitters, no conflicts (2 of 4 stars). 2 submissions from 2 submitters: Pathogenic (2). Last evaluated 2022-02-20.

Conditions:
Hereditary cancer-predisposing syndrome. Also called: Neoplastic Syndromes, Hereditary; Tumor predisposition; Hereditary Cancer Syndrome; Hereditary neoplastic syndrome. Identifiers: Orphanet 140162, MedGen C0027672, MeSH D009386, MONDO:0015356.

Allele frequency attached by ClinVar (database versions not stated): gnomAD exomes 0.00001.
gnomAD v4.1: 9 of 1,613,710 alleles (0.00056%); highest among the groups gnomAD compares: Non-Finnish European, 0.00076%; no homozygotes.

Submissions (2):

Labcorp Genetics (formerly Invitae), Labcorp
Classification: Pathogenic for Hereditary cancer-predisposing syndrome. Last evaluated: 2022-02-20. Review status: criteria provided, single submitter. Criteria: Invitae Variant Classification Sherloc (09022015). Collection method: clinical testing. Allele origin: germline.
Comment: For these reasons, this variant has been classified as Pathogenic. ClinVar contains an entry for this variant (Variation ID: 231396). This variant has not been reported in the literature in individuals affected with RAD50-related conditions. This variant is not present in population databases (gnomAD no frequency). This sequence change creates a premature translational stop signal (p.Glu456*) in the RAD50 gene. It is expected to result in an absent or disrupted protein product. Loss-of-function variants in RAD50 are known to be pathogenic (PMID: 19409520).

Ambry Genetics
Classification: Pathogenic for Hereditary cancer-predisposing syndrome. Last evaluated: 2018-11-14. Review status: criteria provided, single submitter. Criteria: Ambry Variant Classification Scheme 2023. Collection method: clinical testing. Allele origin: germline.
Comment: The p.E456* pathogenic mutation (also known as c.1366G>T), located in coding exon 9 of the RAD50 gene, results from a G to T substitution at nucleotide position 1366. This changes the amino acid from a glutamic acid to a stop codon within coding exon 9. This alteration is expected to result in loss of function by premature protein truncation or nonsense-mediated mRNA decay. As such, this alteration is interpreted as a disease-causing mutation.

Literature cited by the submitters: PubMed 19409520 (cited by Labcorp Genetics (formerly Invitae), Labcorp).

NM_005732.4(RAD50):c.1366G>T (p.Glu456Ter)

Gene: RAD50 (RAD50 double strand break repair protein; plus strand). Cytogenetic location: 5q31.1.
Variant type: single nucleotide variant.
Coding change: c.1366G>T on transcript NM_005732.4 (MANE Select); coding-DNA position 1366, G replaced by T.
Protein change: p.Glu456Ter; replaces glutamic acid 456 with a stop codon.
Molecular consequence: nonsense.
Genome position (GRCh38, 1-based): chr5:132,589,751, G>T. VCF-style: chr5-132589751-G-T. GRCh37 (hg19) VCF-style: chr5-131925443-G-T.
Other names: short protein forms E456*.
Identifiers: ClinVar variation 231396 (VCV000231396.13), dbSNP rs876659132, ClinGen allele CA10578525.
Genomic context (GRCh38, chr5:132,589,751, plus strand): 5'-AAAACTGGACTGGGAAGAATAATTGAGTTAAAATCAGAAATCCTAAGTAAGAAGCAGAAT[G>T]AGCTGAAAAATGTGAAGTATGAATTACAGCAGTTGGAAGGATCTTCAGACAGGATTCTTG-3'